The following is an entry in ClinVar:

ClinVar aggregate classification (germline): Uncertain significance (1 of 4 stars; one submission).

gnomAD v4.1: 2 of 1,614,212 alleles (0.00012%); highest among the groups gnomAD compares: South Asian, 0.0022%; no homozygotes.

Submission:

Labcorp Genetics (formerly Invitae), Labcorp
Classification: Uncertain significance. Last evaluated: 2021-05-28. Review status: criteria provided, single submitter. Criteria: Invitae Variant Classification Sherloc (09022015). Collection method: clinical testing. Allele origin: germline.
Comment: This variant is not present in population databases (ExAC no frequency). This sequence change replaces threonine with lysine at codon 1246 of the POLE protein (p.Thr1246Lys). The threonine residue is weakly conserved and there is a moderate physicochemical difference between threonine and lysine. This variant has not been reported in the literature in individuals with POLE-related conditions. In summary, the available evidence is currently insufficient to determine the role of this variant in disease. Therefore, it has been classified as a Variant of Uncertain Significance. Algorithms developed to predict the effect of missense changes on protein structure and function (SIFT, PolyPhen-2, Align-GVGD) all suggest that this variant is likely to be tolerated, but these predictions have not been confirmed by published functional studies and their clinical significance is uncertain.

NM_006231.4(POLE):c.3737C>A (p.Thr1246Lys)

Gene: POLE (DNA polymerase epsilon, catalytic subunit; minus strand). Cytogenetic location: 12q24.33.
Variant type: single nucleotide variant.
Coding change: c.3737C>A on transcript NM_006231.4 (MANE Select); coding-DNA position 3737, C replaced by A.
Protein change: p.Thr1246Lys; replaces threonine 1246 with lysine.
Molecular consequence: missense variant.
Genome position (GRCh38, 1-based): chr12:132,649,735, G>T on the plus strand (C>A on the coding strand, the complement: POLE is on the minus strand). VCF-style: chr12-132649735-G-T. GRCh37 (hg19) VCF-style: chr12-133226321-G-T.
Other names: short protein forms T1246K.
Identifiers: ClinVar variation 1444470 (VCV001444470.8), dbSNP rs750902578, ClinGen allele CA387386244.